The following is an entry in ClinVar:

NM_005458.8(GABBR2):c.1988A>G (p.Tyr663Cys)

Gene: GABBR2 (gamma-aminobutyric acid type B receptor subunit 2; minus strand). Cytogenetic location: 9q22.33.
Variant type: single nucleotide variant.
Coding change: c.1988A>G on transcript NM_005458.8 (MANE Select); coding-DNA position 1988, A replaced by G.
Protein change: p.Tyr663Cys; replaces tyrosine 663 with cysteine.
Molecular consequence: missense variant.
Genome position (GRCh38, 1-based): chr9:98,311,111, T>C on the plus strand (A>G on the coding strand, the complement: GABBR2 is on the minus strand). VCF-style: chr9-98311111-T-C. GRCh37 (hg19) VCF-style: chr9-101073393-T-C.
Other names: short protein forms Y663C.
Identifiers: ClinVar variation 3367815 (VCV003367815.2).

ClinVar aggregate classification (germline): Uncertain significance. Review status: criteria provided, multiple submitters, no conflicts (2 of 4 stars). 2 submissions from 2 submitters: Uncertain significance (2). Last evaluated 2026-08-05.

Conditions:
Inborn genetic diseases. Identifiers: MedGen C0950123, MeSH D030342.

Submissions (2):

Ambry Genetics
Classification: Uncertain significance for Inborn genetic diseases. Last evaluated: 2026-08-05. Review status: criteria provided, single submitter. Criteria: Ambry Variant Classification Scheme 2023. Collection method: clinical testing. Allele origin: germline.

GeneDx
Classification: Uncertain significance. Last evaluated: 2024-01-17. Review status: criteria provided, single submitter. Criteria: GeneDx Variant Classification Process June 2021. Collection method: clinical testing. Allele origin: germline. Affected: yes.
Comment: Not observed at significant frequency in large population cohorts (gnomAD); In silico analysis supports that this missense variant has a deleterious effect on protein structure/function; Has not been previously published as pathogenic or benign to our knowledge